The following is an entry in ClinVar:

ClinVar aggregate classification (germline): Uncertain significance. Review status: criteria provided, multiple submitters, no conflicts (2 of 4 stars). 2 submissions from 2 submitters: Uncertain significance (2). Last evaluated 2025-06-01.

gnomAD v4.1: 1 of 1,576,714 alleles (0.000063%); no homozygotes.

Submissions (2):

Ambry Genetics
Classification: Uncertain significance. Last evaluated: 2025-06-01. Review status: criteria provided, single submitter. Criteria: Ambry Variant Classification Scheme 2023. Collection method: clinical testing. Allele origin: germline.
Comment: The p.I111F variant (also known as c.331A>T), located in coding exon 1 of the GALNT12 gene, results from an A to T substitution at nucleotide position 331. The isoleucine at codon 111 is replaced by phenylalanine, an amino acid with highly similar properties. This amino acid position is well conserved in available vertebrate species. In addition, the in silico prediction for this alteration is inconclusive. Since supporting evidence is limited at this time, the clinical significance of this alteration remains unclear.

Labcorp Genetics (formerly Invitae), Labcorp
Classification: Uncertain significance. Last evaluated: 2024-05-07. Review status: criteria provided, single submitter. Criteria: Invitae Variant Classification Sherloc (09022015). Collection method: clinical testing. Allele origin: germline.
Comment: This sequence change replaces isoleucine, which is neutral and non-polar, with phenylalanine, which is neutral and non-polar, at codon 111 of the GALNT12 protein (p.Ile111Phe). This variant is not present in population databases (gnomAD no frequency). This variant has not been reported in the literature in individuals affected with GALNT12-related conditions. ClinVar contains an entry for this variant (Variation ID: 1730173). Advanced modeling of protein sequence and biophysical properties (such as structural, functional, and spatial information, amino acid conservation, physicochemical variation, residue mobility, and thermodynamic stability) performed at Invitae indicates that this missense variant is expected to disrupt GALNT12 protein function with a positive predictive value of 80%. In summary, the available evidence is currently insufficient to determine the role of this variant in disease. Therefore, it has been classified as a Variant of Uncertain Significance.

NM_024642.5(GALNT12):c.331A>T (p.Ile111Phe)

Gene: GALNT12 (polypeptide N-acetylgalactosaminyltransferase 12; plus strand). Cytogenetic location: 9q22.33.
Variant type: single nucleotide variant.
Coding change: c.331A>T on transcript NM_024642.5 (MANE Select); coding-DNA position 331, A replaced by T.
Protein change: p.Ile111Phe; replaces isoleucine 111 with phenylalanine.
Molecular consequence: missense variant.
Genome position (GRCh38, 1-based): chr9:98,808,029, A>T. VCF-style: chr9-98808029-A-T. GRCh37 (hg19) VCF-style: chr9-101570311-A-T.
Other names: short protein forms I111F.
Identifiers: ClinVar variation 1730173 (VCV001730173.5), dbSNP rs1487945747, ClinGen allele CA374222998.